The following is an entry in ClinVar:

NM_005430.4(WNT1):c.172G>C (p.Glu58Gln)

Gene: WNT1 (Wnt family member 1; plus strand). Cytogenetic location: 12q13.12.
Variant type: single nucleotide variant.
Coding change: c.172G>C on transcript NM_005430.4 (MANE Select); coding-DNA position 172, G replaced by C.
Protein change: p.Glu58Gln; replaces glutamic acid 58 with glutamine.
Molecular consequence: missense variant.
Genome position (GRCh38, 1-based): chr12:48,979,535, G>C. VCF-style: chr12-48979535-G-C. GRCh37 (hg19) VCF-style: chr12-49373318-G-C.
Other names: short protein forms E58Q.
Identifiers: ClinVar variation 3619634 (VCV003619634.2).

ClinVar aggregate classification (germline): Uncertain significance (1 of 4 stars; one submission).

gnomAD v4.1: 4 of 1,613,834 alleles (0.00025%); highest among the groups gnomAD compares: Non-Finnish European, 0.00034%; no homozygotes.

Submission:

Labcorp Genetics (formerly Invitae), Labcorp
Classification: Uncertain significance. Last evaluated: 2024-04-07. Review status: criteria provided, single submitter. Criteria: Invitae Variant Classification Sherloc (09022015). Collection method: clinical testing. Allele origin: germline.
Comment: This sequence change replaces glutamic acid, which is acidic and polar, with glutamine, which is neutral and polar, at codon 58 of the WNT1 protein (p.Glu58Gln). This variant is present in population databases (rs144907447, gnomAD 0.0009%). This variant has not been reported in the literature in individuals affected with WNT1-related conditions. Advanced modeling of protein sequence and biophysical properties (such as structural, functional, and spatial information, amino acid conservation, physicochemical variation, residue mobility, and thermodynamic stability) performed at Invitae indicates that this missense variant is not expected to disrupt WNT1 protein function with a negative predictive value of 80%. In summary, the available evidence is currently insufficient to determine the role of this variant in disease. Therefore, it has been classified as a Variant of Uncertain Significance.